The following is an entry in ClinVar:

ClinVar aggregate classification (germline): Uncertain significance. Review status: criteria provided, multiple submitters, no conflicts (2 of 4 stars). 7 submissions from 7 submitters: Uncertain significance (6). 1 of the submissions does not count toward it. Last evaluated 2026-01-25.

Conditions:
ATM-related cancer predisposition. Also called: ATM-related cancer susceptibility. Identifiers: MedGen CN377759, MONDO:0700270.
Hereditary cancer-predisposing syndrome. Also called: Neoplastic Syndromes, Hereditary; Hereditary Cancer Syndrome; Tumor predisposition; Hereditary neoplastic syndrome. Identifiers: Orphanet 140162, MedGen C0027672, MeSH D009386, MONDO:0015356.
Familial cancer of breast. Also called: BREAST CANCER, FAMILIAL; hereditary breast carcinoma; Hereditary breast cancer. Identifiers: Orphanet 227535, MedGen C0346153, MONDO:0016419, OMIM 114480. Disease mechanism: loss of function.
Ataxia-telangiectasia syndrome (AT). Also called: Ataxia-telangiectasia, complementation group D; AT, COMPLEMENTATION GROUP C; Ataxia-telangiectasia; ATAXIA-TELANGIECTASIA, COMPLEMENTATION GROUP A; ATAXIA-TELANGIECTASIA, FRESNO VARIANT; Ataxia-telangiectasia, complementation group E. Identifiers: Orphanet 100, MedGen C0004135, MONDO:0008840, OMIM 208900.

Allele frequency attached by ClinVar (database versions not stated): gnomAD exomes below 0.00001.
gnomAD v4.1: 2 of 1,614,192 alleles (0.00012%); highest among the groups gnomAD compares: Non-Finnish European, 0.000085%; no homozygotes.

Submissions (7):

Labcorp Genetics (formerly Invitae), Labcorp
Classification: Uncertain significance for Ataxia-telangiectasia syndrome. Last evaluated: 2026-01-25. Review status: criteria provided, single submitter. Criteria: Invitae Variant Classification Sherloc (09022015). Collection method: clinical testing. Allele origin: germline.
Comment: This sequence change replaces cysteine, which is neutral and slightly polar, with tryptophan, which is neutral and slightly polar, at codon 2159 of the ATM protein (p.Cys2159Trp). This variant is not present in population databases (gnomAD no frequency). This variant has not been reported in the literature in individuals affected with ATM-related conditions. ClinVar contains an entry for this variant (Variation ID: 141490). Invitae Evidence Modeling of protein sequence and biophysical properties (such as structural, functional, and spatial information, amino acid conservation, physicochemical variation, residue mobility, and thermodynamic stability) indicates that this missense variant is not expected to disrupt ATM protein function with a negative predictive value of 95%. In summary, the available evidence is currently insufficient to determine the role of this variant in disease. Therefore, it has been classified as a Variant of Uncertain Significance.

Quest Diagnostics Nichols Institute San Juan Capistrano
Classification: Uncertain significance. Last evaluated: 2025-01-30. Review status: criteria provided, single submitter. Criteria: Quest Diagnostics criteria. Collection method: clinical testing. Allele origin: unknown.

Color Diagnostics, LLC DBA Color Health
Classification: Uncertain significance for Hereditary cancer-predisposing syndrome. Last evaluated: 2024-03-06. Review status: criteria provided, single submitter. Criteria: ACMG Guidelines, 2015. Collection method: clinical testing. Allele origin: germline.
Comment: This missense variant replaces cysteine with tryptophan at codon 2159 of the ATM protein. Computational prediction is inconclusive regarding the impact of this variant on protein structure and function (internally defined REVEL score threshold 0.5 < inconclusive < 0.7, PMID: 27666373). To our knowledge, functional studies have not been reported for this variant. This variant has not been reported in individuals affected with hereditary cancer in the literature. This variant has not been identified in the general population by the Genome Aggregation Database (gnomAD). The available evidence is insufficient to determine the role of this variant in disease conclusively. Therefore, this variant is classified as a Variant of Uncertain Significance.

Department of Pathology and Laboratory Medicine, Sinai Health System
Classification: Uncertain significance for ATM-related cancer predisposition. Last evaluated: 2024-02-28. Review status: criteria provided, single submitter. Criteria: ACMG Guidelines, 2015. Collection method: clinical testing. Allele origin: germline. Affected: no.

Baylor Genetics
Classification: Uncertain significance for Familial cancer of breast. Last evaluated: 2023-12-19. Review status: criteria provided, single submitter. Criteria: ACMG Guidelines, 2015. Collection method: clinical testing. Allele origin: unknown.

Ambry Genetics
Classification: Uncertain significance for Hereditary cancer-predisposing syndrome. Last evaluated: 2023-09-22. Review status: criteria provided, single submitter. Criteria: Ambry Variant Classification Scheme 2023. Collection method: clinical testing. Allele origin: germline.
Comment: The p.C2159W variant (also known as c.6477T>G), located in coding exon 44 of the ATM gene, results from a T to G substitution at nucleotide position 6477. The cysteine at codon 2159 is replaced by tryptophan, an amino acid with highly dissimilar properties. This amino acid position is well conserved in available vertebrate species. In addition, the in silico prediction for this alteration is inconclusive. Since supporting evidence is limited at this time, the clinical significance of this alteration remains unclear.

Natera, Inc.
Classification: Uncertain significance for Ataxia-telangiectasia. Last evaluated: 2020-09-16. Review status: no assertion criteria provided. Collection method: clinical testing. Allele origin: germline. Not counted in ClinVar's aggregate classification.

Literature cited by the submitters: PubMed 33471991 (cited by Department of Pathology and Laboratory Medicine, Sinai Health System); PubMed 30613976 (cited by Ambry Genetics).

NM_000051.4(ATM):c.6477T>G (p.Cys2159Trp)

Genes: ATM (ATM serine/threonine kinase; plus strand), C11orf65 (chromosome 11 open reading frame 65; minus strand). Cytogenetic location: 11q22.3.
Variant type: single nucleotide variant.
Coding change: c.6477T>G on transcript NM_000051.4 (MANE Select); coding-DNA position 6477, T replaced by G.
Protein change: p.Cys2159Trp; replaces cysteine 2159 with tryptophan.
Molecular consequence: missense variant. On other transcripts: intron variant (2).
Genome position (GRCh38, 1-based): chr11:108,321,325, T>G. VCF-style: chr11-108321325-T-G. GRCh37 (hg19) VCF-style: chr11-108192052-T-G.
Other names: c.6477T>G, p.Cys2159Trp (NM_001351834.2); c.641-12254A>C (NM_001330368.2); c.*39-12254A>C (NM_001351110.2); short protein forms C2159W.
Identifiers: ClinVar variation 141490 (VCV000141490.21), dbSNP rs587781789, ClinGen allele CA165598.